The following is an entry in ClinVar:

ClinVar aggregate classification (germline): Uncertain significance. Review status: criteria provided, multiple submitters, no conflicts (2 of 4 stars). 2 submissions from 2 submitters: Uncertain significance (2). Last evaluated 2024-05-13.

Conditions:
Hereditary cancer-predisposing syndrome. Also called: Neoplastic Syndromes, Hereditary; Tumor predisposition; Hereditary neoplastic syndrome; Hereditary Cancer Syndrome. Identifiers: Orphanet 140162, MedGen C0027672, MeSH D009386, MONDO:0015356.

Allele frequency attached by ClinVar (database versions not stated): gnomAD exomes below 0.00001.
gnomAD v4.1: 1 of 1,602,366 alleles (0.000062%); highest among the groups gnomAD compares: African/African-American, 0.0013%; no homozygotes.

Submissions (2):

Ambry Genetics
Classification: Uncertain significance for Hereditary cancer-predisposing syndrome. Last evaluated: 2024-05-13. Review status: criteria provided, single submitter. Criteria: Ambry Variant Classification Scheme 2023. Collection method: clinical testing. Allele origin: germline.
Comment: The p.G45V variant (also known as c.134G>T), located in coding exon 1 of the MSH6 gene, results from a G to T substitution at nucleotide position 134. The glycine at codon 45 is replaced by valine, an amino acid with dissimilar properties. This amino acid position is conserved. In addition, this alteration is predicted to be tolerated by in silico analysis. Based on the available evidence, the clinical significance of this variant remains unclear.

Color Diagnostics, LLC DBA Color Health
Classification: Uncertain significance for Hereditary cancer-predisposing syndrome. Last evaluated: 2023-12-05. Review status: criteria provided, single submitter. Criteria: ACMG Guidelines, 2015. Collection method: clinical testing. Allele origin: germline.
Comment: This missense variant replaces glycine with valine at codon 45 of the MSH6 protein. Computational prediction suggests that this variant may not impact protein structure and function (internally defined REVEL score threshold <= 0.5, PMID: 27666373). To our knowledge, functional studies have not been reported for this variant. This variant has not been reported in individuals affected with MSH6-related disorders in the literature. This variant has not been identified in the general population by the Genome Aggregation Database (gnomAD). The available evidence is insufficient to determine the role of this variant in disease conclusively. Therefore, this variant is classified as a Variant of Uncertain Significance.

NM_000179.3(MSH6):c.134G>T (p.Gly45Val)

Gene: MSH6 (mutS homolog 6; plus strand). Cytogenetic location: 2p16.3.
Variant type: single nucleotide variant.
Coding change: c.134G>T on transcript NM_000179.3 (MANE Select); coding-DNA position 134, G replaced by T.
Protein change: p.Gly45Val; replaces glycine 45 with valine.
Molecular consequence: missense variant. On other transcripts: 5 prime UTR variant (1).
Genome position (GRCh38, 1-based): chr2:47,783,367, G>T. VCF-style: chr2-47783367-G-T. GRCh37 (hg19) VCF-style: chr2-48010506-G-T.
Other names: c.134G>T, p.Gly45Val (NM_001281492.2); c.-603G>T (NM_001281493.2); short protein forms G45V.
Identifiers: ClinVar variation 628779 (VCV000628779.6), dbSNP rs1114167802, ClinGen allele CA346734899.